The following is an entry in ClinVar:

ClinVar aggregate classification (germline): Likely pathogenic. Review status: criteria provided, single submitter (1 of 4 stars). 2 submissions from 2 submitters: Likely pathogenic (1). 1 of the submissions does not count toward it. Last evaluated 2022-01-03.

Conditions:
COL4A5-related disorder. Also called: COL4A5-related condition.
X-linked Alport syndrome (ATS1). Also called: NEPHROPATHY AND DEAFNESS, X-LINKED; COL4A5-Related Nephropathy. Identifiers: Orphanet 63, Orphanet 88917, MedGen C4746986, MONDO:0010520, OMIM 301050.

Submissions (2):

3billion
Classification: Likely pathogenic for X-linked Alport syndrome. Last evaluated: 2022-01-03. Review status: criteria provided, single submitter. Criteria: ACMG Guidelines, 2015. Collection method: clinical testing. Allele origin: germline. Affected: yes. Observed: 1 heterozygote.
Comment: The variant is located in a well-established functional domain or exonic hotspot, where pathogenic variants have frequently reported (PM1_M).In silico tool predictions suggest damaging effect of the variant on gene or gene product (REVEL: 0.999, 3CNET: 0.963, PP3_P). A missense variant is a common mechanism associated with Alport syndrome 1 (PP2_P). It is not observed in the gnomAD v2.1.1 dataset (PM2_M). Therefore, this variant is classified as likely pathogenic according to the recommendation of ACMG/AMP guideline.

PreventionGenetics, part of Exact Sciences
Classification: Pathogenic for COL4A5-related condition. Last evaluated: 2024-03-22. Review status: no assertion criteria provided. Collection method: clinical testing. Allele origin: germline. Not counted in ClinVar's aggregate classification.
Comment: The COL4A5 c.1199G>A variant is predicted to result in the amino acid substitution p.Gly400Glu. The p.Gly400 residue is located in the triple-helical region (residues 42 – 1456) of the COL4A5 protein. The majority of pathogenic variants in COL4A5 substitute a glycine residue to a bulkier amino acid in the triple-helical domain (Hudson et al. 1993. PubMed ID: 8253711). This variant was reported in an individual with Alport syndrome (Reported as 1402G>A, G400E in Boye et al 1995. PubMed ID: 7599631). This variant has not been reported in a large population database, indicating this variant is rare. This variant is interpreted as pathogenic.

NM_033380.3(COL4A5):c.1199G>A (p.Gly400Glu)

Gene: COL4A5 (collagen type IV alpha 5 chain; plus strand). Cytogenetic location: Xq22.3.
Variant type: single nucleotide variant.
Coding change: c.1199G>A on transcript NM_033380.3 (MANE Select); coding-DNA position 1199, G replaced by A.
Protein change: p.Gly400Glu; replaces glycine 400 with glutamic acid.
Molecular consequence: missense variant.
Genome position (GRCh38, 1-based): chrX:108,591,091, G>A. VCF-style: chrX-108591091-G-A. GRCh37 (hg19) VCF-style: chrX-107834321-G-A.
Other names: c.1199G>A, p.Gly400Glu (NM_000495.5); c.1199G>A (NM_000495.4); short protein forms G400E.
Identifiers: ClinVar variation 1333248 (VCV001333248.2), dbSNP rs104886107, ClinGen allele CA258420.